The following is an entry in ClinVar:

NM_001009944.3(PKD1):c.7704-2A>G

Gene: PKD1 (polycystin 1, transient receptor potential channel interacting; minus strand). Cytogenetic location: 16p13.3.
Variant type: single nucleotide variant.
Coding change: c.7704-2A>G on transcript NM_001009944.3 (MANE Select); the canonical splice acceptor site of the intron before coding-DNA position 7704, A replaced by G.
Molecular consequence: splice acceptor variant.
Genome position (GRCh38, 1-based): chr16:2,106,026, T>C on the plus strand (A>G on the coding strand, the complement: PKD1 is on the minus strand). VCF-style: chr16-2106026-T-C. GRCh37 (hg19) VCF-style: chr16-2156027-T-C.
Other names: c.7704-2A>G (NM_000296.4).
Identifiers: ClinVar variation 1879320 (VCV001879320.29), dbSNP rs2544776491, ClinGen allele CA394368147.
Genomic context (GRCh38, chr16:2,106,026, plus strand): 5'-GCCAGACTGTGAGCCCCGTTGCGCTGCCGTTGGGCTCTGGGAGGGTGATGGCCAAAGACC[T>C]ACGAGCAGAGGGGGGTGGTGAGCAGGTGGCAGTCTCGGGGGCGCCCTCCCACGGCCTGGC-3'

ClinVar aggregate classification (germline): Pathogenic (1 of 4 stars; one submission).

Submission:

CeGaT Center for Human Genetics Tuebingen
Classification: Pathogenic. Last evaluated: 2022-10-01. Review status: criteria provided, single submitter. Criteria: CeGaT Center For Human Genetics Tuebingen Variant Classification Criteria Version 2. Collection method: clinical testing. Allele origin: germline. Affected: yes. Observed: 1 variant allele.
Comment: PKD1: PVS1, PM2, PS4:Supporting